The following is an entry in ClinVar:

NM_002474.3(MYH11):c.5603_5609del (p.Tyr1868fs)

Genes: MYH11 (myosin heavy chain 11; minus strand), NDE1 (nudE neurodevelopment protein 1; plus strand). Cytogenetic location: 16p13.11.
Variant type: Deletion.
Coding change: c.5603_5609del on transcript NM_002474.3 (MANE Select); coding-DNA positions 5603 to 5609, 7 bases deleted (ACAAGGA; older notation c.5603_5609delACAAGGA).
Protein change: p.Tyr1868fs; shifts the reading frame from tyrosine 1868.
Molecular consequence: frameshift variant. On other transcripts: intron variant (2).
Genome position (GRCh38, 1-based): chr16:15,715,168-15,715,174, TCCTTGT deleted on the plus strand (ACAAGGA on the coding strand, the reverse complement: MYH11 is on the minus strand). VCF-style (leftmost placement, unchanged base first): chr16-15715167-CTCCTTGT-C. GRCh37 (hg19) VCF-style: chr16-15809024-CTCCTTGT-C.
Other names: c.5624_5630del, p.Tyr1875fs (NM_001040113.2, NM_001040114.2); c.5603_5609del, p.Tyr1868fs (NM_022844.3); c.948-9023_948-9017del (NM_001143979.2, NM_017668.3); short protein forms Y1868fs, Y1875fs.
Identifiers: ClinVar variation 5025096 (VCV005025096.1).

ClinVar aggregate classification (germline): Uncertain significance (1 of 4 stars; one submission).

Conditions:
Familial thoracic aortic aneurysm and aortic dissection (TAAD). Also called: Thoracic aortic aneurysms and dissections. Identifiers: Orphanet 91387, MedGen C4707243, MONDO:0019625.

Submission:

Ambry Genetics
Classification: Uncertain significance for Familial thoracic aortic aneurysm and aortic dissection. Last evaluated: 2026-08-19. Review status: criteria provided, single submitter. Criteria: Ambry Variant Classification Scheme 2023. Collection method: clinical testing. Allele origin: germline.
Comment: The c.5603_5609delACAAGGA variant, located in coding exon 38 of the MYH11 gene, results from a deletion of 7 nucleotides at nucleotide positions 5603 to 5609, causing a translational frameshift with a predicted alternate stop codon (p.Y1868Cfs*52). This alteration is expected to result in loss of function by premature protein truncation or nonsense-mediated mRNA decay. Although biallelic loss of function of MYH11 has been associated with MYH11-related megacystis-microcolon-intestinal hypoperistalsis syndrome, haploinsufficiency of MYH11 has not been established as a mechanism of disease for MYH11-related thoracic aortic aneurysm and dissection. Based on the supporting evidence, this variant is expected to be causative of MYH11-related megacystis-microcolon-intestinal hypoperistalsis syndrome when present along with a second pathogenic variant on the other allele; however, its clinical significance for MYH11-related thoracic aortic aneurysm and dissection is unclear.